The following is an entry in ClinVar:

NM_000535.7(PMS2):c.1956T>A (p.Ile652=)

Gene: PMS2 (PMS1 homolog 2, mismatch repair system component; minus strand). Cytogenetic location: 7p22.1.
Variant type: single nucleotide variant.
Coding change: c.1956T>A on transcript NM_000535.7 (MANE Select); coding-DNA position 1956, T replaced by A.
Protein change: p.Ile652=; no amino-acid change (isoleucine 652 retained).
Molecular consequence: synonymous variant. On other transcripts: non-coding transcript variant (1).
Genome position (GRCh38, 1-based): chr7:5,986,809, A>T on the plus strand (T>A on the coding strand, the complement: PMS2 is on the minus strand). VCF-style: chr7-5986809-A-T. GRCh37 (hg19) VCF-style: chr7-6026440-A-T.
Other names: c.1551T>A, p.Ile517= (NM_001322003.2, NM_001322004.2, NM_001322005.2 and 1 more transcripts); c.1800T>A, p.Ile600= (NM_001322006.2); c.1638T>A, p.Ile546= (NM_001322007.2, NM_001322008.2); c.1395T>A, p.Ile465= (NM_001322010.2); c.1023T>A, p.Ile341= (NM_001322011.2, NM_001322012.2); c.1383T>A, p.Ile461= (NM_001322013.2); c.1956T>A, p.Ile652= (NM_001322014.2); c.1647T>A, p.Ile549= (NM_001322015.2).
Identifiers: ClinVar variation 186287 (VCV000186287.16), dbSNP rs267608168, ClinGen allele CA010553.
Genomic context (GRCh38, chr7:5,986,809, plus strand): 5'-AAAACTTTACCTTATCTCTTTTCTTAGTTCATCTTCGGCTGCTTGATTTTCTCCAGGACA[A>T]ATCTTTGCCCTAAACTTCCTGTAATTCTGTTCCCCTTCACTTTGCTGTGCTTCATGATGT-3'
Protein context (NP_000526.2, residues 642-662): EQNYRKFRAK[Ile652=]CPGENQAAED

ClinVar aggregate classification (germline): Benign/Likely benign. Review status: criteria provided, multiple submitters, no conflicts (2 of 4 stars). 4 submissions from 4 submitters: Benign (1); Likely benign (3). Last evaluated 2025-12-29.

Conditions:
Hereditary nonpolyposis colorectal neoplasms. Identifiers: MedGen C0009405, MeSH D003123.
Hereditary cancer-predisposing syndrome. Also called: Neoplastic Syndromes, Hereditary; Tumor predisposition; Hereditary Cancer Syndrome; Hereditary neoplastic syndrome. Identifiers: Orphanet 140162, MedGen C0027672, MeSH D009386, MONDO:0015356.
Lynch syndrome 4 (LYNCH4). Also called: Colorectal cancer, hereditary nonpolyposis, type 4; Hereditary non-polyposis colorectal cancer, type 4. Identifiers: Orphanet 144, MedGen C1838333, MONDO:0013699, OMIM 614337. Disease mechanism: loss of function.

Submissions (4):

Center for Genomic Medicine, Rigshospitalet, Copenhagen University Hospital
Classification: Likely benign. Last evaluated: 2025-12-29. Review status: criteria provided, single submitter. Criteria: ACMG Guidelines, 2015. Collection method: clinical testing. Allele origin: germline.

Myriad Genetics, Inc.
Classification: Benign for Lynch syndrome 4. Last evaluated: 2025-01-31. Review status: criteria provided, single submitter. Criteria: Myriad Autosomal Dominant, Autosomal Recessive and X-Linked Classification Criteria (2023). Collection method: clinical testing. Allele origin: unknown.
Comment: This variant is considered benign. This variant is a silent/synonymous amino acid change and it is not expected to impact splicing.

Labcorp Genetics (formerly Invitae), Labcorp
Classification: Likely benign for Hereditary nonpolyposis colorectal neoplasms. Last evaluated: 2024-08-29. Review status: criteria provided, single submitter. Criteria: Invitae Variant Classification Sherloc (09022015). Collection method: clinical testing. Allele origin: germline.

Ambry Genetics
Classification: Likely benign for Hereditary cancer-predisposing syndrome. Last evaluated: 2014-08-28. Review status: criteria provided, single submitter. Criteria: Ambry Variant Classification Scheme 2023. Collection method: clinical testing. Allele origin: germline.